The following is an entry in ClinVar:

NM_000550.3(TYRP1):c.1141C>T (p.His381Tyr)

Genes: LURAP1L-AS1 (LURAP1L antisense RNA 1; minus strand), TYRP1 (tyrosinase related protein 1; plus strand). Cytogenetic location: 9p23.
Variant type: single nucleotide variant.
Coding change: c.1141C>T on transcript NM_000550.3 (MANE Select); coding-DNA position 1141, C replaced by T.
Protein change: p.His381Tyr; replaces histidine 381 with tyrosine.
Molecular consequence: missense variant.
Genome position (GRCh38, 1-based): chr9:12,704,585, C>T. VCF-style: chr9-12704585-C-T. GRCh37 (hg19) VCF-style: chr9-12704585-C-T.
Other names: short protein forms H381Y.
Identifiers: ClinVar variation 1431731 (VCV001431731.5), dbSNP rs769930907, ClinGen allele CA4985463.

ClinVar aggregate classification (germline): Uncertain significance. Review status: criteria provided, multiple submitters, no conflicts (2 of 4 stars). 2 submissions from 2 submitters: Uncertain significance (2). Last evaluated 2025-10-11.

Allele frequency attached by ClinVar (database versions not stated): ExAC 0.00001; gnomAD exomes 0.00001 and 0.00002; TOPMed 0.00001; gnomAD 0.00002.

Submissions (2):

Labcorp Genetics (formerly Invitae), Labcorp
Classification: Uncertain significance. Last evaluated: 2025-10-11. Review status: criteria provided, single submitter. Criteria: Invitae Variant Classification Sherloc (09022015). Collection method: clinical testing. Allele origin: germline.
Comment: This sequence change replaces histidine, which is basic and polar, with tyrosine, which is neutral and polar, at codon 381 of the TYRP1 protein (p.His381Tyr). This variant is present in population databases (rs769930907, gnomAD 0.007%). This missense change has been observed in individual(s) with ocular albinism (PMID: 29345414). ClinVar contains an entry for this variant (Variation ID: 1431731). Invitae Evidence Modeling of protein sequence and biophysical properties (such as structural, functional, and spatial information, amino acid conservation, physicochemical variation, residue mobility, and thermodynamic stability) indicates that this missense variant is expected to disrupt TYRP1 protein function with a positive predictive value of 80%. In summary, the available evidence is currently insufficient to determine the role of this variant in disease. Therefore, it has been classified as a Variant of Uncertain Significance.

Women's Health and Genetics/Laboratory Corporation of America, LabCorp
Classification: Uncertain significance. Last evaluated: 2025-05-12. Review status: criteria provided, single submitter. Criteria: LabCorp Variant Classification Summary - May 2015. Collection method: clinical testing. Allele origin: germline.
Comment: Variant summary: TYRP1 c.1141C>T (p.His381Tyr) results in a conservative amino acid change in the encoded protein sequence. Algorithms developed to predict the effect of missense changes on protein structure and function are either unavailable or do not agree on the potential impact of this missense change. The variant allele was found at a frequency of 1.6e-05 in 250852 control chromosomes. The available data on variant occurrences in the general population are insufficient to allow any conclusion about variant significance. c.1141C>T has been observed in at least one individual affected with albinism without reported second variant (e.g. Lasseaux_2018). These report(s) do not provide unequivocal conclusions about association of the variant with Oculocutaneous albinism type 3. To our knowledge, no experimental evidence demonstrating an impact on protein function has been reported. The following publication has been ascertained in the context of this evaluation (PMID: 29345414).- ClinVar contains an entry for this variant (Variation ID: 1431731). Based on the evidence outlined above, the variant was classified as uncertain significance.

Literature cited by the submitters: PubMed 29345414 (cited by Labcorp Genetics (formerly Invitae), Labcorp and Women's Health and Genetics/Laboratory Corporation of America, LabCorp).